The following is an entry in ClinVar:

NM_017617.5(NOTCH1):c.3649C>T (p.His1217Tyr)

Gene: NOTCH1 (notch receptor 1; minus strand). Cytogenetic location: 9q34.3.
Variant type: single nucleotide variant.
Coding change: c.3649C>T on transcript NM_017617.5 (MANE Select); coding-DNA position 3649, C replaced by T.
Protein change: p.His1217Tyr; replaces histidine 1217 with tyrosine.
Molecular consequence: missense variant.
Genome position (GRCh38, 1-based): chr9:136,506,968, G>A on the plus strand (C>T on the coding strand, the complement: NOTCH1 is on the minus strand). VCF-style: chr9-136506968-G-A. GRCh37 (hg19) VCF-style: chr9-139401420-G-A.
Other names: c.3649C>T (NM_017617.3); short protein forms H1217Y.
Identifiers: ClinVar variation 1485437 (VCV001485437.10), dbSNP rs1327576450, ClinGen allele CA375549640.

ClinVar aggregate classification (germline): Conflicting classifications of pathogenicity. Review status: criteria provided, conflicting classifications (1 of 4 stars). 2 submissions from 2 submitters: Uncertain significance (1); Benign (1). Last evaluated 2025-12-01.

Conditions:
Adams-Oliver syndrome 5 (AOS5). Identifiers: Orphanet 974, MedGen C4014970, MONDO:0014459, OMIM 616028.
Familial thoracic aortic aneurysm and aortic dissection (TAAD). Also called: Thoracic aortic aneurysms and dissections. Identifiers: Orphanet 91387, MedGen C4707243, MONDO:0019625.

Allele frequency attached by ClinVar (database versions not stated): gnomAD exomes below 0.00001 and 0.00001.
gnomAD v4.1: 3 of 1,602,760 alleles (0.00019%); highest among the groups gnomAD compares: Admixed American, 0.0034%; no homozygotes.

Submissions (2):

Labcorp Genetics (formerly Invitae), Labcorp
Classification: Benign for Adams-Oliver syndrome 5. Last evaluated: 2025-12-01. Review status: criteria provided, single submitter. Criteria: Invitae Variant Classification Sherloc (09022015). Collection method: clinical testing. Allele origin: germline.

Ambry Genetics
Classification: Uncertain significance for Familial thoracic aortic aneurysm and aortic dissection. Last evaluated: 2024-11-10. Review status: criteria provided, single submitter. Criteria: Ambry Variant Classification Scheme 2023. Collection method: clinical testing. Allele origin: germline.
Comment: The p.H1217Y variant (also known as c.3649C>T), located in coding exon 23 of the NOTCH1 gene, results from a C to T substitution at nucleotide position 3649. The histidine at codon 1217 is replaced by tyrosine, an amino acid with similar properties. This amino acid position is conserved. In addition, the in silico prediction for this alteration is inconclusive. Based on the available evidence, the clinical significance of this variant remains unclear.